The following is an entry in ClinVar:

ClinVar aggregate classification (germline): Uncertain significance. Review status: criteria provided, multiple submitters, no conflicts (2 of 4 stars). 3 submissions from 3 submitters: Uncertain significance (3). Last evaluated 2025-11-04.

Conditions:
Inborn genetic diseases. Identifiers: MedGen C0950123, MeSH D030342.
Cranioectodermal dysplasia 1 (CED1). Also called: LEVIN SYNDROME I. Identifiers: Orphanet 1515, MedGen C0432235, MONDO:0021093, OMIM 218330.

Allele frequency attached by ClinVar (database versions not stated): gnomAD exomes 0.00002.
gnomAD v4.1: 28 of 1,539,130 alleles (0.0018%); highest among the groups gnomAD compares: Non-Finnish European, 0.0022%; no homozygotes.

Submissions (3):

Labcorp Genetics (formerly Invitae), Labcorp
Classification: Uncertain significance for Cranioectodermal dysplasia 1. Last evaluated: 2025-11-04. Review status: criteria provided, single submitter. Criteria: Invitae Variant Classification Sherloc (09022015). Collection method: clinical testing. Allele origin: germline.
Comment: This sequence change replaces arginine, which is basic and polar, with leucine, which is neutral and non-polar, at codon 1129 of the IFT122 protein (p.Arg1129Leu). The frequency data for this variant in the population databases is considered unreliable, as metrics indicate poor data quality at this position in the gnomAD database. This variant has not been reported in the literature in individuals affected with IFT122-related conditions. ClinVar contains an entry for this variant (Variation ID: 1384492). Invitae Evidence Modeling of protein sequence and biophysical properties (such as structural, functional, and spatial information, amino acid conservation, physicochemical variation, residue mobility, and thermodynamic stability) indicates that this missense variant is not expected to disrupt IFT122 protein function with a negative predictive value of 80%. In summary, the available evidence is currently insufficient to determine the role of this variant in disease. Therefore, it has been classified as a Variant of Uncertain Significance.

Ambry Genetics
Classification: Uncertain significance for Inborn genetic diseases. Last evaluated: 2025-08-21. Review status: criteria provided, single submitter. Criteria: Ambry Variant Classification Scheme 2023. Collection method: clinical testing. Allele origin: germline.

Fulgent Genetics
Classification: Uncertain significance for Cranioectodermal dysplasia 1. Last evaluated: 2021-11-13. Review status: criteria provided, single submitter. Criteria: ACMG Guidelines, 2015. Collection method: clinical testing. Allele origin: unknown.

NM_052989.3(IFT122):c.3233G>T (p.Arg1078Leu)

Gene: IFT122 (intraflagellar transport 122; plus strand). Cytogenetic location: 3q22.1.
Variant type: single nucleotide variant.
Coding change: c.3233G>T on transcript NM_052989.3 (MANE Select); coding-DNA position 3233, G replaced by T.
Protein change: p.Arg1078Leu; replaces arginine 1078 with leucine.
Molecular consequence: missense variant.
Genome position (GRCh38, 1-based): chr3:129,515,567, G>T. VCF-style: chr3-129515567-G-T. GRCh37 (hg19) VCF-style: chr3-129234410-G-T.
Other names: c.3386G>T (NM_052985.2); c.3212G>T, p.Arg1071Leu (NM_001280541.2); c.2783G>T, p.Arg928Leu (NM_001280545.2); c.2606G>T, p.Arg869Leu (NM_001280546.2); c.3056G>T, p.Arg1019Leu (NM_018262.4); c.3386G>T, p.Arg1129Leu (NM_052985.4); c.2903G>T, p.Arg968Leu (NM_052990.3); short protein forms R1019L, R1071L, R928L, R1129L, R1078L, R869L, R968L.
Identifiers: ClinVar variation 1384492 (VCV001384492.7), dbSNP rs1269892119, ClinGen allele CA354488055.
Genomic context (GRCh38, chr3:129,515,567, plus strand): 5'-ACCGCTGCTCCACCAACAACCCGCTGCTCAACAACCTGGGCAACGTCTGCATCAACTGCC[G>T]CCAGCCCTTCATCTTCTCCGCCTCTTCCTACGGTGAGTCCCTGCATCCTGAGCATGTGGG-3'
Protein context (NP_443715.1, residues 1068-1088): NNLGNVCINC[Arg1078Leu]QPFIFSASSY